The following is an entry in ClinVar:

ClinVar aggregate classification (germline): Uncertain significance (1 of 4 stars; one submission).

Conditions:
Familial temporal lobe epilepsy 7. Identifiers: Orphanet 101046, MedGen C4225327, MONDO:0014639, OMIM 616436.
Norman-Roberts syndrome (LIS2). Also called: Lissencephaly 2 (Norman-Roberts type). Identifiers: Orphanet 89844, MedGen C0796089, MONDO:0009760, OMIM 257320.

Submission:

Labcorp Genetics (formerly Invitae), Labcorp
Classification: Uncertain significance for Familial temporal lobe epilepsy 7; Norman-Roberts syndrome. Last evaluated: 2021-08-28. Review status: criteria provided, single submitter. Criteria: Invitae Variant Classification Sherloc (09022015). Collection method: clinical testing. Allele origin: germline.
Comment: This sequence change replaces arginine with cysteine at codon 755 of the RELN protein (p.Arg755Cys). The arginine residue is highly conserved and there is a large physicochemical difference between arginine and cysteine. This variant is not present in population databases (ExAC no frequency). This variant has not been reported in the literature in individuals affected with RELN-related conditions. Algorithms developed to predict the effect of missense changes on protein structure and function are either unavailable or do not agree on the potential impact of this missense change (SIFT: "Deleterious"; PolyPhen-2: "Probably Damaging"; Align-GVGD: "Class C0"). In summary, the available evidence is currently insufficient to determine the role of this variant in disease. Therefore, it has been classified as a Variant of Uncertain Significance.

NM_005045.4(RELN):c.2263C>T (p.Arg755Cys)

Gene: RELN (reelin; minus strand). Cytogenetic location: 7q22.1.
Variant type: single nucleotide variant.
Coding change: c.2263C>T on transcript NM_005045.4 (MANE Select); coding-DNA position 2263, C replaced by T.
Protein change: p.Arg755Cys; replaces arginine 755 with cysteine.
Molecular consequence: missense variant.
Genome position (GRCh38, 1-based): chr7:103,636,275, G>A on the plus strand (C>T on the coding strand, the complement: RELN is on the minus strand). VCF-style: chr7-103636275-G-A. GRCh37 (hg19) VCF-style: chr7-103276722-G-A.
Other names: c.2263C>T, p.Arg755Cys (NM_173054.3); short protein forms R755C.
Identifiers: ClinVar variation 862750 (VCV000862750.7), dbSNP rs1832577812, ClinGen allele CA368761571.